The following is an entry in ClinVar:

ClinVar aggregate classification (germline): Pathogenic (1 of 4 stars; one submission).

Conditions:
BAP1-related tumor predisposition syndrome (TPDS1). Also called: Tumor susceptibility linked to germline BAP1 mutations; COMMON Syndrome; TUMOR PREDISPOSITION SYNDROME 1; BAP1 tumor predisposition syndrome. Identifiers: Orphanet 289539, MedGen C3280492, MONDO:0013692, OMIM 614327.

Submission:

Labcorp Genetics (formerly Invitae), Labcorp
Classification: Pathogenic for BAP1-related tumor predisposition syndrome. Last evaluated: 2023-07-06. Review status: criteria provided, single submitter. Criteria: Invitae Variant Classification Sherloc (09022015). Collection method: clinical testing. Allele origin: germline.
Comment: This sequence change creates a premature translational stop signal (p.Lys658Argfs*34) in the BAP1 gene. While this is not anticipated to result in nonsense mediated decay, it is expected to disrupt the last 72 amino acid(s) of the BAP1 protein. This variant is not present in population databases (gnomAD no frequency). This variant has not been reported in the literature in individuals affected with BAP1-related conditions. This variant disrupts a region of the BAP1 protein in which other variant(s) (p.Gln684*) have been determined to be pathogenic (PMID: 18757409, 21874000, 24243779). This suggests that this is a clinically significant region of the protein, and that variants that disrupt it are likely to be disease-causing. For these reasons, this variant has been classified as Pathogenic.

Literature cited by the submitters: PubMed 18757409; PubMed 21874000; PubMed 24243779.

NM_004656.4(BAP1):c.1971del (p.Lys658fs)

Gene: BAP1 (BRCA1 associated deubiquitinase 1; minus strand). Cytogenetic location: 3p21.1.
Variant type: Deletion.
Coding change: c.1971del on transcript NM_004656.4 (MANE Select); coding-DNA position 1971, one base deleted (G; older notation c.1971delG).
Protein change: p.Lys658fs; shifts the reading frame from lysine 658.
Molecular consequence: frameshift variant.
Genome position (GRCh38, 1-based): chr3:52,402,791, C deleted on the plus strand (G on the coding strand, the reverse complement: BAP1 is on the minus strand); the first of 2 consecutive C bases (chr3:52,402,791-52,402,792); deleting either gives the same sequence. VCF-style (leftmost placement, unchanged base first): chr3-52402790-TC-T. GRCh37 (hg19) VCF-style: chr3-52436806-TC-T.
Other names: c.1917del, p.Lys640fs (NM_001410772.1); short protein forms K640fs, K658fs.
Identifiers: ClinVar variation 2736304 (VCV002736304.3), dbSNP rs2471321922, ClinGen allele CA2697556695.